The following is an entry in ClinVar:

ClinVar aggregate classification (germline): Conflicting classifications of pathogenicity. Review status: criteria provided, conflicting classifications (1 of 4 stars). 3 submissions from 3 submitters: Uncertain significance (2); Likely benign (1). Last evaluated 2024-06-06.

Conditions:
Focal segmental glomerulosclerosis 1 (FSGS1). Identifiers: Orphanet 656, MedGen C4551527, MONDO:0011303, OMIM 603278.

Allele frequency attached by ClinVar (database versions not stated): ExAC 0.00003; gnomAD exomes 0.00003 and 0.00005; gnomAD 0.00005; TOPMed 0.00006; ESP Exome Variant Server 0.00023.
gnomAD v4.1: 81 of 1,612,766 alleles (0.005%); highest among the groups gnomAD compares: Non-Finnish European, 0.0061%; no homozygotes.

Submissions (3):

Fulgent Genetics
Classification: Likely benign for Focal segmental glomerulosclerosis 1. Last evaluated: 2024-06-06. Review status: criteria provided, single submitter. Criteria: ACMG Guidelines, 2015. Collection method: clinical testing. Allele origin: germline.

Labcorp Genetics (formerly Invitae), Labcorp
Classification: Uncertain significance. Last evaluated: 2020-10-16. Review status: criteria provided, single submitter. Criteria: Invitae Variant Classification Sherloc (09022015). Collection method: clinical testing. Allele origin: germline.
Comment: In summary, the available evidence is currently insufficient to determine the role of this variant in disease. Therefore, it has been classified as a Variant of Uncertain Significance. Algorithms developed to predict the effect of missense changes on protein structure and function are either unavailable or do not agree on the potential impact of this missense change (SIFT: "Not Available"; PolyPhen-2: "Probably Damaging"; Align-GVGD: "Not Available"). This variant has not been reported in the literature in individuals with ACTN4-related conditions. This variant is present in population databases (rs150439937, ExAC 0.006%). This sequence change replaces threonine with methionine at codon 903 of the ACTN4 protein (p.Thr903Met). The threonine residue is highly conserved and there is a moderate physicochemical difference between threonine and methionine.

Breakthrough Genomics
Classification: Uncertain significance. Review status: criteria provided, single submitter. Criteria: ACMG Guidelines, 2015. Collection method: not provided. Allele origin: germline. Inheritance: Autosomal dominant inheritance. Affected: yes.

NM_004924.6(ACTN4):c.2708C>T (p.Thr903Met)

Gene: ACTN4 (actinin alpha 4; plus strand). Cytogenetic location: 19q13.2.
Variant type: single nucleotide variant.
Coding change: c.2708C>T on transcript NM_004924.6 (MANE Select); coding-DNA position 2708, C replaced by T.
Protein change: p.Thr903Met; replaces threonine 903 with methionine.
Molecular consequence: missense variant.
Genome position (GRCh38, 1-based): chr19:38,729,404, C>T. VCF-style: chr19-38729404-C-T. GRCh37 (hg19) VCF-style: chr19-39220044-C-T.
Other names: c.2693C>T, p.Thr898Met (NM_001322033.2); short protein forms T898M, T903M.
Identifiers: ClinVar variation 1055307 (VCV001055307.9), dbSNP rs150439937, ClinGen allele CA9418145.